The following is an entry in ClinVar:

ClinVar aggregate classification (germline): Likely pathogenic (1 of 4 stars; one submission).

Submission:

GeneDx
Classification: Likely pathogenic. Last evaluated: 2025-05-02. Review status: criteria provided, single submitter. Criteria: GeneDx Variant Classification Process June 2021. Collection method: clinical testing. Allele origin: germline. Affected: yes.
Comment: Located in the A-band, a region of TTN for which truncating variants are significantly associated with autosomal dominant cardiomyopathy and also with autosomal recessive skeletal myopathies (PMID: 22335739, 32778822); Not observed at significant frequency in large population cohorts (gnomAD); Has not been previously published as pathogenic or benign to our knowledge; Nonsense variant predicted to result in protein truncation or nonsense mediated decay in a gene for which loss of function is a known mechanism of disease; This variant is associated with the following publications: (PMID: 22335739, 32778822)

NM_001267550.2(TTN):c.72432G>A (p.Trp24144Ter)

Genes: TTN (titin; minus strand), TTN-AS1 (TTN antisense RNA 1; plus strand). Cytogenetic location: 2q31.2.
Variant type: single nucleotide variant.
Coding change: c.72432G>A on transcript NM_001267550.2 (MANE Select); coding-DNA position 72432, G replaced by A.
Protein change: p.Trp24144Ter; replaces tryptophan 24144 with a stop codon.
Molecular consequence: nonsense.
Genome position (GRCh38, 1-based): chr2:178,573,700, C>T on the plus strand (G>A on the coding strand, the complement: TTN is on the minus strand). VCF-style: chr2-178573700-C-T. GRCh37 (hg19) VCF-style: chr2-179438427-C-T.
Other names: c.67509G>A, p.Trp22503Ter (NM_001256850.1); c.45237G>A, p.Trp15079Ter (NM_003319.4); c.64728G>A, p.Trp21576Ter (NM_133378.4); c.45612G>A, p.Trp15204Ter (NM_133432.3); c.45813G>A, p.Trp15271Ter (NM_133437.4); short protein forms W15079*, W15204*, W15271*, W21576*, W22503*, W24144*.
Identifiers: ClinVar variation 4528304 (VCV004528304.1).